The following is an entry in ClinVar:

NM_000937.5(POLR2A):c.2857G>C (p.Glu953Gln)

Gene: POLR2A (RNA polymerase II subunit A; plus strand). Cytogenetic location: 17p13.1.
Variant type: single nucleotide variant.
Coding change: c.2857G>C on transcript NM_000937.5 (MANE Select); coding-DNA position 2857, G replaced by C.
Protein change: p.Glu953Gln; replaces glutamic acid 953 with glutamine.
Molecular consequence: missense variant.
Genome position (GRCh38, 1-based): chr17:7,503,221, G>C. VCF-style: chr17-7503221-G-C. GRCh37 (hg19) VCF-style: chr17-7406540-G-C.
Other names: short protein forms E953Q.
Identifiers: ClinVar variation 2505782 (VCV002505782.1), dbSNP rs2508146006, ClinGen allele CA397799120.

ClinVar aggregate classification (germline): Uncertain significance (1 of 4 stars; one submission).

Submission:

GeneDx
Classification: Uncertain significance. Last evaluated: 2022-12-14. Review status: criteria provided, single submitter. Criteria: GeneDx Variant Classification Process June 2021. Collection method: clinical testing. Allele origin: germline. Affected: yes.
Comment: Not observed at significant frequency in large population cohorts (gnomAD); In silico analysis supports that this missense variant has a deleterious effect on protein structure/function; Has not been previously published as pathogenic or benign to our knowledge